The following is an entry in ClinVar:

ClinVar aggregate classification (germline): Uncertain significance (1 of 4 stars; one submission).

Submission:

Labcorp Genetics (formerly Invitae), Labcorp
Classification: Uncertain significance. Last evaluated: 2025-09-06. Review status: criteria provided, single submitter. Criteria: Invitae Variant Classification Sherloc (09022015). Collection method: clinical testing. Allele origin: germline.
Comment: This sequence change replaces methionine, which is neutral and non-polar, with leucine, which is neutral and non-polar, at codon 1557 of the COL11A2 protein (p.Met1557Leu). This variant is not present in population databases (gnomAD no frequency). This variant has not been reported in the literature in individuals affected with COL11A2-related conditions. Invitae Evidence Modeling of protein sequence and biophysical properties (such as structural, functional, and spatial information, amino acid conservation, physicochemical variation, residue mobility, and thermodynamic stability) indicates that this missense variant is not expected to disrupt COL11A2 protein function with a negative predictive value of 95%. In summary, the available evidence is currently insufficient to determine the role of this variant in disease. Therefore, it has been classified as a Variant of Uncertain Significance.

NM_080680.3(COL11A2):c.4669A>T (p.Met1557Leu)

Gene: COL11A2 (collagen type XI alpha 2 chain; minus strand). Cytogenetic location: 6p21.32.
Variant type: single nucleotide variant.
Coding change: c.4669A>T on transcript NM_080680.3 (MANE Select); coding-DNA position 4669, A replaced by T.
Protein change: p.Met1557Leu; replaces methionine 1557 with leucine.
Molecular consequence: missense variant.
Genome position (GRCh38, 1-based): chr6:33,165,630, T>A on the plus strand (A>T on the coding strand, the complement: COL11A2 is on the minus strand). VCF-style: chr6-33165630-T-A. GRCh37 (hg19) VCF-style: chr6-33133407-T-A.
Other names: c.4489A>T, p.Met1497Leu (NM_001424108.1); c.3823A>T, p.Met1275Leu (NM_001424109.1); c.3643A>T, p.Met1215Leu (NM_001424110.1, NM_001424111.1); c.2623A>T, p.Met875Leu (NM_001424112.1); c.4348A>T, p.Met1450Leu (NM_080679.3); c.4411A>T, p.Met1471Leu (NM_080681.3); short protein forms M1215L, M1275L, M1450L, M1471L, M1497L, M1557L, M875L.
Identifiers: ClinVar variation 4801306 (VCV004801306.1).